The following is an entry in ClinVar:

ClinVar aggregate classification (germline): Benign. Review status: criteria provided, multiple submitters, no conflicts (2 of 4 stars). 7 submissions from 7 submitters: Benign (3). 4 of the submissions do not count toward it. Last evaluated 2025-07-28.

Allele frequency attached by ClinVar (database versions not stated): 1000 Genomes Project 30x 0.00609; ESP Exome Variant Server 0.01868; gnomAD exomes 0.01837 and 0.02417; gnomAD 0.01961 and 0.01885; 1000 Genomes Project 0.00659; ExAC 0.01783; TOPMed 0.01560.
gnomAD v4.1: 37,939 of 1,614,172 alleles (2.4%); highest among the groups gnomAD compares: Non-Finnish European, 2.8%; 576 homozygotes.

Submissions (7):

ARUP Laboratories, Molecular Genetics and Genomics, ARUP Laboratories
Classification: Benign. Last evaluated: 2025-07-28. Review status: criteria provided, single submitter. Criteria: ARUP Molecular Germline Variant Investigation Process 2024. Collection method: clinical testing. Allele origin: germline.

Genomic Diagnostic Laboratory, Division of Genomic Diagnostics, Children's Hospital of Philadelphia
Classification: Benign. Last evaluated: 2015-02-13. Review status: criteria provided, single submitter. Criteria: DGD Variant Analysis Guidelines. Collection method: clinical testing. Allele origin: unknown.

Breakthrough Genomics
Classification: Benign. Review status: criteria provided, single submitter. Criteria: ACMG Guidelines, 2015. Collection method: not provided. Allele origin: germline. Inheritance: Autosomal dominant inheritance. Affected: yes.

Clinical Genetics, Academic Medical Center
Classification: Benign. Review status: no assertion criteria provided. Collection method: clinical testing. Allele origin: germline. Affected: yes. Study: VKGL Data-share Consensus. Not counted in ClinVar's aggregate classification.

Department of Pathology and Laboratory Medicine, Sinai Health System
Classification: Likely benign. Review status: no assertion criteria provided. Collection method: clinical testing. Allele origin: unknown. Affected: yes. Study: The Canadian Open Genetics Repository (COGR). Not counted in ClinVar's aggregate classification.
Comment: The KIF1B p.Met807Ile variant was identified in dbSNP (ID: rs41274458) and ClinVar (classified as benign by the Division of Genomic Diagnostics, The Children's Hospital of Philadelphia) but was not identified in Cosmic or LOVD 3.0. The variant was also identified in control databases in 5217 of 282018 chromosomes (87 homozygous) at a frequency of 0.018499 increasing the likelihood this could be a low frequency benign variant (Genome Aggregation Database Feb 27, 2017). The variant was observed in the following populations: European (Finnish) in 1052 of 25118 chromosomes (freq: 0.04188), European (non-Finnish) in 3406 of 128482 chromosomes (freq: 0.02651), Other in 153 of 7206 chromosomes (freq: 0.02123), Latino in 346 of 35412 chromosomes (freq: 0.009771), Ashkenazi Jewish in 70 of 10320 chromosomes (freq: 0.006783), African in 102 of 24938 chromosomes (freq: 0.00409), South Asian in 87 of 30608 chromosomes (freq: 0.002842) and East Asian in 1 of 19934 chromosomes (freq: 0.00005). This variant was previously reported somatically in neuroblastoma tumors (Chen_2014_PMID: 24469107). The variant occurs outside of the splicing consensus sequence and in silico or computational prediction software programs (SpliceSiteFinder, MaxEntScan, NNSPLICE, GeneSplicer) do not predict a difference in splicing. The p.Met807 residue is not conserved in mammals and 5 of 5 computational analyses (PolyPhen-2, SIFT, AlignGVGD, BLOSUM, MutationTaster) do not suggest a high likelihood of impact to the protein. In summary, based on the above information the clinical significance of this variant cannot be determined with certainty at this time although we would lean towards a more benign role for this variant. This variant is classified as likely benign.

Genome Diagnostics Laboratory, University Medical Center Utrecht
Classification: Likely benign. Review status: no assertion criteria provided. Collection method: clinical testing. Allele origin: germline. Affected: yes. Study: VKGL Data-share Consensus. Not counted in ClinVar's aggregate classification.

Laboratory of Diagnostic Genome Analysis, Leiden University Medical Center (LUMC)
Classification: Likely benign. Review status: no assertion criteria provided. Collection method: clinical testing. Allele origin: germline. Affected: yes. Study: VKGL Data-share Consensus. Not counted in ClinVar's aggregate classification.

NM_001365951.3(KIF1B):c.2115+6360G>T

Gene: KIF1B (kinesin family member 1B; plus strand). Cytogenetic location: 1p36.22.
Variant type: single nucleotide variant.
Coding change: c.2115+6360G>T on transcript NM_001365951.3 (MANE Select); 6360 bases into the intron after coding-DNA position 2115, G replaced by T.
Molecular consequence: intron variant. On other transcripts: missense variant (2).
Genome position (GRCh38, 1-based): chr1:10,303,606, G>T. VCF-style: chr1-10303606-G-T. GRCh37 (hg19) VCF-style: chr1-10363664-G-T.
Other names: c.2421G>T, p.Met807Ile (NM_001365953.1, NM_183416.4); c.1977+6360G>T (NM_015074.3); c.2115+6360G>T (NM_001365952.1); short protein forms M807I.
Identifiers: ClinVar variation 218862 (VCV000218862.24), dbSNP rs41274458, ClinGen allele CA249050.